The following is an entry in ClinVar:

ClinVar aggregate classification (germline): Uncertain significance. Review status: criteria provided, multiple submitters, no conflicts (2 of 4 stars). 3 submissions from 3 submitters: Uncertain significance (3). Last evaluated 2024-05-02.

Conditions:
Epilepsy, childhood absence, susceptibility to, 6. Identifiers: Orphanet 64280, MedGen C2749872, MONDO:0012763, OMIM 611942.
Hyperaldosteronism, familial, type IV (HALD4). Also called: FH IV; ALDOSTERONISM, PRIMARY, AND HYPERTENSION. Identifiers: Orphanet 642671, MedGen C4310756, MONDO:0014875, OMIM 617027.
Idiopathic generalized epilepsy. Also called: EIG; Generalised epilepsy. Identifiers: MedGen C0270850, MONDO:0005579, OMIM 600669.

Allele frequency attached by ClinVar (database versions not stated): gnomAD 0.00001; gnomAD exomes 0.00001; TOPMed 0.00003.
gnomAD v4.1: 14 of 1,491,380 alleles (0.00094%); highest among the groups gnomAD compares: African/African-American, 0.0015%; no homozygotes.

Submissions (3):

Fulgent Genetics
Classification: Uncertain significance for Epilepsy, childhood absence, susceptibility to, 6; Hyperaldosteronism, familial, type IV. Last evaluated: 2024-05-02. Review status: criteria provided, single submitter. Criteria: ACMG Guidelines, 2015. Collection method: clinical testing. Allele origin: germline.

Labcorp Genetics (formerly Invitae), Labcorp
Classification: Uncertain significance for Idiopathic generalized epilepsy; Hyperaldosteronism, familial, type IV. Last evaluated: 2024-04-10. Review status: criteria provided, single submitter. Criteria: Invitae Variant Classification Sherloc (09022015). Collection method: clinical testing. Allele origin: germline.
Comment: This sequence change replaces proline, which is neutral and non-polar, with leucine, which is neutral and non-polar, at codon 2064 of the CACNA1H protein (p.Pro2064Leu). This variant is not present in population databases (gnomAD no frequency). This variant has not been reported in the literature in individuals affected with CACNA1H-related conditions. ClinVar contains an entry for this variant (Variation ID: 1028718). Advanced modeling of protein sequence and biophysical properties (such as structural, functional, and spatial information, amino acid conservation, physicochemical variation, residue mobility, and thermodynamic stability) performed at Invitae indicates that this missense variant is not expected to disrupt CACNA1H protein function with a negative predictive value of 80%. In summary, the available evidence is currently insufficient to determine the role of this variant in disease. Therefore, it has been classified as a Variant of Uncertain Significance.

Baylor Genetics
Classification: Uncertain significance for Epilepsy, childhood absence, susceptibility to, 6. Last evaluated: 2019-04-11. Review status: criteria provided, single submitter. Criteria: ACMG Guidelines, 2015. Collection method: clinical testing. Allele origin: unknown. Affected: yes.
Comment: This variant was determined to be of uncertain significance according to ACMG Guidelines, 2015 [PMID:25741868].

NM_021098.3(CACNA1H):c.6191C>T (p.Pro2064Leu)

Gene: CACNA1H (calcium voltage-gated channel subunit alpha1 H; plus strand). Cytogenetic location: 16p13.3.
Variant type: single nucleotide variant.
Coding change: c.6191C>T on transcript NM_021098.3 (MANE Select); coding-DNA position 6191, C replaced by T.
Protein change: p.Pro2064Leu; replaces proline 2064 with leucine.
Molecular consequence: missense variant.
Genome position (GRCh38, 1-based): chr16:1,220,123, C>T. VCF-style: chr16-1220123-C-T. GRCh37 (hg19) VCF-style: chr16-1270123-C-T.
Other names: c.6173C>T, p.Pro2058Leu (NM_001005407.2); short protein forms P2064L, P2058L.
Identifiers: ClinVar variation 1028718 (VCV001028718.5), dbSNP rs1199118621, ClinGen allele CA394149258.